The following is an entry in ClinVar:

NM_144666.3(DNHD1):c.12662-2A>C

Gene: DNHD1 (dynein heavy chain domain 1; plus strand). Cytogenetic location: 11p15.4.
Variant type: single nucleotide variant.
Coding change: c.12662-2A>C on transcript NM_144666.3 (MANE Select); the canonical splice acceptor site of the intron before coding-DNA position 12662, A replaced by C.
Molecular consequence: splice acceptor variant.
Genome position (GRCh38, 1-based): chr11:6,568,663, A>C. VCF-style: chr11-6568663-A-C. GRCh37 (hg19) VCF-style: chr11-6589893-A-C.
Identifiers: ClinVar variation 2163362 (VCV002163362.1), dbSNP rs780240951, ClinGen allele CA5856895.

ClinVar aggregate classification (germline): Likely pathogenic (1 of 4 stars; one submission).

Allele frequency attached by ClinVar (database versions not stated): TOPMed below 0.00001; gnomAD 0.00001; ExAC 0.00003.

Submission:

Labcorp Genetics (formerly Invitae), Labcorp
Classification: Likely pathogenic. Last evaluated: 2022-06-28. Review status: criteria provided, single submitter. Criteria: Invitae Variant Classification Sherloc (09022015). Collection method: clinical testing. Allele origin: germline.
Comment: This sequence change affects an acceptor splice site in intron 38 of the DNHD1 gene. It is expected to disrupt RNA splicing. Variants that disrupt the donor or acceptor splice site typically lead to a loss of protein function (PMID: 16199547), and loss-of-function variants in DNHD1 are known to be pathogenic (PMID: 34932939). This variant is present in population databases (rs780240951, gnomAD 0.02%). This variant has not been reported in the literature in individuals affected with DNHD1-related conditions. Algorithms developed to predict the effect of sequence changes on RNA splicing suggest that this variant may disrupt the consensus splice site. In summary, the currently available evidence indicates that the variant is pathogenic, but additional data are needed to prove that conclusively. Therefore, this variant has been classified as Likely Pathogenic.

Literature cited by the submitters: PubMed 16199547; PubMed 34932939.